The following is an entry in ClinVar:

ClinVar aggregate classification (germline): Uncertain significance (1 of 4 stars; one submission).

Submission:

Labcorp Genetics (formerly Invitae), Labcorp
Classification: Uncertain significance. Last evaluated: 2021-08-26. Review status: criteria provided, single submitter. Criteria: Invitae Variant Classification Sherloc (09022015). Collection method: clinical testing. Allele origin: germline.
Comment: In summary, the available evidence is currently insufficient to determine the role of this variant in disease. Therefore, it has been classified as a Variant of Uncertain Significance. Algorithms developed to predict the effect of missense changes on protein structure and function are either unavailable or do not agree on the potential impact of this missense change (SIFT: "Deleterious"; PolyPhen-2: "Benign"; Align-GVGD: "Class C0"). This variant has not been reported in the literature in individuals affected with RDH5-related conditions. This variant is not present in population databases (ExAC no frequency). This sequence change replaces isoleucine with threonine at codon 256 of the RDH5 protein (p.Ile256Thr). The isoleucine residue is moderately conserved and there is a moderate physicochemical difference between isoleucine and threonine.

NM_002905.5(RDH5):c.767T>C (p.Ile256Thr)

Genes: BLOC1S1-RDH5 (BLOC1S1-RDH5 readthrough; plus strand), CD63 (CD63 molecule; minus strand), RDH5 (retinol dehydrogenase 5; plus strand). Cytogenetic location: 12q13.2.
Variant type: single nucleotide variant.
Coding change: c.767T>C on transcript NM_002905.5 (MANE Select); coding-DNA position 767, T replaced by C.
Protein change: p.Ile256Thr; replaces isoleucine 256 with threonine.
Molecular consequence: missense variant. On other transcripts: non-coding transcript variant (1).
Genome position (GRCh38, 1-based): chr12:55,724,355, T>C. VCF-style: chr12-55724355-T-C. GRCh37 (hg19) VCF-style: chr12-56118139-T-C.
Other names: c.767T>C, p.Ile256Thr (NM_001199771.3); short protein forms I256T.
Identifiers: ClinVar variation 1377670 (VCV001377670.6), dbSNP rs2136142863, ClinGen allele CA385203103.